The following is an entry in ClinVar:

ClinVar aggregate classification (germline): Conflicting classifications of pathogenicity. Review status: criteria provided, conflicting classifications (1 of 4 stars). 2 submissions from 2 submitters: Likely pathogenic (1); Uncertain significance (1). Last evaluated 2025-12-01.

Conditions:
Long QT syndrome (LQTS). Identifiers: MedGen C0023976, MeSH D008133, MONDO:0002442. Disease mechanism: loss of function. Inheritance: Various modes of inheritance.

Allele frequency attached by ClinVar (database versions not stated): gnomAD exomes below 0.00001.
gnomAD v4.1: 1 of 1,614,136 alleles (0.000062%); no homozygotes.

Submissions (2):

CeGaT Center for Human Genetics Tuebingen
Classification: Likely pathogenic. Last evaluated: 2025-12-01. Review status: criteria provided, single submitter. Criteria: CeGaT Center For Human Genetics Tuebingen Variant Classification Criteria Version 2. Collection method: clinical testing. Allele origin: germline. Affected: yes. Observed: 1 variant allele.
Comment: KCNH2: PM1, PM2, PP2, PP3

Labcorp Genetics (formerly Invitae), Labcorp
Classification: Uncertain significance for Long QT syndrome. Last evaluated: 2023-07-30. Review status: criteria provided, single submitter. Criteria: Invitae Variant Classification Sherloc (09022015). Collection method: clinical testing. Allele origin: germline.
Comment: In summary, the available evidence is currently insufficient to determine the role of this variant in disease. Therefore, it has been classified as a Variant of Uncertain Significance. An algorithm developed to predict the effect of missense changes on protein structure and function (PolyPhen-2) suggests that this variant is likely to be disruptive. This variant has not been reported in the literature in individuals affected with KCNH2-related conditions. This variant is not present in population databases (gnomAD no frequency). This sequence change replaces isoleucine, which is neutral and non-polar, with phenylalanine, which is neutral and non-polar, at codon 639 of the KCNH2 protein (p.Ile639Phe).

NM_000238.4(KCNH2):c.1915A>T (p.Ile639Phe)

Gene: KCNH2 (potassium voltage-gated channel subfamily H member 2; minus strand). Cytogenetic location: 7q36.1.
Variant type: single nucleotide variant.
Coding change: c.1915A>T on transcript NM_000238.4 (MANE Select); coding-DNA position 1915, A replaced by T.
Protein change: p.Ile639Phe; replaces isoleucine 639 with phenylalanine.
Molecular consequence: missense variant. On other transcripts: non-coding transcript variant (2).
Genome position (GRCh38, 1-based): chr7:150,951,478, T>A on the plus strand (A>T on the coding strand, the complement: KCNH2 is on the minus strand). VCF-style: chr7-150951478-T-A. GRCh37 (hg19) VCF-style: chr7-150648566-T-A.
Other names: c.895A>T, p.Ile299Phe (NM_172057.3, NM_001204798.2); c.1627A>T, p.Ile543Phe (NM_001406753.1, NM_001406756.1); c.1738A>T, p.Ile580Phe (NM_001406755.1); c.1615A>T, p.Ile539Phe (NM_001406757.1); c.1915A>T, p.Ile639Phe (NM_172056.3); short protein forms I639F, I539F, I299F, I543F, I580F.
Identifiers: ClinVar variation 2748408 (VCV002748408.8), dbSNP rs2486035827, ClinGen allele CA369857852.
Genomic context (GRCh38, chr7:150,951,478, plus strand): 5'-TCCCCGCCGCCCGCCCCTGGGCACACTCACAGCCAATGAGCATGACGCAGATGGAGAAGA[T>A]CTTCTCTGAGTTGGTGTTGGGAGAGACGTTGCCGAAGCCCACACTGGTGAGGCTGCTGAA-3'
Protein context (NP_000229.1, residues 629-649): NVSPNTNSEK[Ile639Phe]FSICVMLIGS